The following is an entry in ClinVar:

ClinVar aggregate classification (germline): Uncertain significance. Review status: criteria provided, multiple submitters, no conflicts (2 of 4 stars). 3 submissions from 3 submitters: Uncertain significance (3). Last evaluated 2025-07-27.

Conditions:
Leukoencephalopathy-thalamus and brainstem anomalies-high lactate syndrome. Also called: LEUKOENCEPHALOPATHY WITH THALAMUS AND BRAINSTEM INVOLVEMENT AND HIGH LACTATE; Combined oxidative phosphorylation deficiency 12. Identifiers: Orphanet 314051, MedGen C4706421, MONDO:0013971, OMIM 614924.

Allele frequency attached by ClinVar (database versions not stated): gnomAD 0.00002; gnomAD exomes 0.00006 and 0.00018; TOPMed 0.00008; 1000 Genomes Project 30x 0.00016; ExAC 0.00020.
gnomAD v4.1: 87 of 1,613,886 alleles (0.0054%); highest among the groups gnomAD compares: Admixed American, 0.083%; no homozygotes.

Submissions (3):

GeneDx
Classification: Uncertain significance. Last evaluated: 2025-07-27. Review status: criteria provided, single submitter. Criteria: GeneDx Variant Classification Process June 2021. Collection method: clinical testing. Allele origin: germline. Affected: yes.
Comment: In silico analysis supports that this missense variant has a deleterious effect on protein structure/function; Has not been previously published as pathogenic or benign to our knowledge

Labcorp Genetics (formerly Invitae), Labcorp
Classification: Uncertain significance. Last evaluated: 2024-02-24. Review status: criteria provided, single submitter. Criteria: Invitae Variant Classification Sherloc (09022015). Collection method: clinical testing. Allele origin: germline.
Comment: This sequence change replaces glycine, which is neutral and non-polar, with arginine, which is basic and polar, at codon 135 of the EARS2 protein (p.Gly135Arg). This variant is present in population databases (rs762685823, gnomAD 0.1%). This variant has not been reported in the literature in individuals affected with EARS2-related conditions. ClinVar contains an entry for this variant (Variation ID: 886093). Advanced modeling of protein sequence and biophysical properties (such as structural, functional, and spatial information, amino acid conservation, physicochemical variation, residue mobility, and thermodynamic stability) performed at Invitae indicates that this missense variant is not expected to disrupt EARS2 protein function with a negative predictive value of 80%. In summary, the available evidence is currently insufficient to determine the role of this variant in disease. Therefore, it has been classified as a Variant of Uncertain Significance.

Illumina Laboratory Services, Illumina
Classification: Uncertain significance for Leukoencephalopathy-thalamus and brainstem anomalies-high lactate syndrome. Last evaluated: 2018-01-12. Review status: criteria provided, single submitter. Criteria: ICSL Variant Classification Criteria 13 December 2019. Collection method: clinical testing. Allele origin: germline.

NM_001083614.2(EARS2):c.403G>A (p.Gly135Arg)

Gene: EARS2 (glutamyl-tRNA synthetase 2, mitochondrial; minus strand). Cytogenetic location: 16p12.2.
Variant type: single nucleotide variant.
Coding change: c.403G>A on transcript NM_001083614.2 (MANE Select); coding-DNA position 403, G replaced by A.
Protein change: p.Gly135Arg; replaces glycine 135 with arginine.
Molecular consequence: missense variant. On other transcripts: non-coding transcript variant (1).
Genome position (GRCh38, 1-based): chr16:23,544,596, C>T on the plus strand (G>A on the coding strand, the complement: EARS2 is on the minus strand). VCF-style: chr16-23544596-C-T. GRCh37 (hg19) VCF-style: chr16-23555917-C-T.
Other names: c.403G>A, p.Gly135Arg (NM_001308211.1); short protein forms G135R.
Identifiers: ClinVar variation 886093 (VCV000886093.9), dbSNP rs762685823, ClinGen allele CA7962600.